The following is an entry in ClinVar:

ClinVar aggregate classification (germline): Likely benign. Review status: criteria provided, multiple submitters, no conflicts (2 of 4 stars). 3 submissions from 3 submitters: Likely benign (2). 1 of the submissions does not count toward it. Last evaluated 2025-10-12.

Conditions:
TSPAN12-related disorder. Also called: TSPAN12-related condition.

Allele frequency attached by ClinVar (database versions not stated): ExAC 0.00002; gnomAD exomes 0.00004 and 0.00009; gnomAD 0.00007 and 0.00009; TOPMed 0.00013; ESP Exome Variant Server 0.00015.

Submissions (3):

Labcorp Genetics (formerly Invitae), Labcorp
Classification: Likely benign. Last evaluated: 2025-10-12. Review status: criteria provided, single submitter. Criteria: Invitae Variant Classification Sherloc (09022015). Collection method: clinical testing. Allele origin: germline.

Blueprint Genetics
Classification: Likely benign. Last evaluated: 2023-10-25. Review status: criteria provided, single submitter. Criteria: ACMG Guidelines, 2015. Collection method: clinical testing. Allele origin: germline.

PreventionGenetics, part of Exact Sciences
Classification: Likely benign for TSPAN12-related condition. Last evaluated: 2019-08-07. Review status: no assertion criteria provided. Collection method: clinical testing. Allele origin: germline. Not counted in ClinVar's aggregate classification.
Comment: This variant is classified as likely benign based on ACMG/AMP sequence variant interpretation guidelines (Richards et al. 2015 PMID: 25741868, with internal and published modifications).

NM_012338.4(TSPAN12):c.67-6C>T

Gene: TSPAN12 (tetraspanin 12; minus strand). Cytogenetic location: 7q31.31.
Variant type: single nucleotide variant.
Coding change: c.67-6C>T on transcript NM_012338.4 (MANE Select); 6 bases into the intron before coding-DNA position 67, C replaced by T.
Molecular consequence: intron variant.
Genome position (GRCh38, 1-based): chr7:120,840,115, G>A on the plus strand (C>T on the coding strand, the complement: TSPAN12 is on the minus strand). VCF-style: chr7-120840115-G-A. GRCh37 (hg19) VCF-style: chr7-120480169-G-A.
Other names: c.67-6C>T (NM_012338.3).
Identifiers: ClinVar variation 1147280 (VCV001147280.12), dbSNP rs374550376, ClinGen allele CA4454004.